The following is an entry in ClinVar:

NM_201253.3(CRB1):c.439A>G (p.Ile147Val)

Gene: CRB1 (crumbs cell polarity complex component 1; plus strand). Cytogenetic location: 1q31.3.
Variant type: single nucleotide variant.
Coding change: c.439A>G on transcript NM_201253.3 (MANE Select); coding-DNA position 439, A replaced by G.
Protein change: p.Ile147Val; replaces isoleucine 147 with valine.
Molecular consequence: missense variant. On other transcripts: non-coding transcript variant (2).
Genome position (GRCh38, 1-based): chr1:197,328,790, A>G. VCF-style: chr1-197328790-A-G. GRCh37 (hg19) VCF-style: chr1-197297920-A-G.
Other names: c.439A>G, p.Ile147Val (NM_001193640.2, NM_001257966.2); c.232A>G, p.Ile78Val (NM_001257965.2); short protein forms I78V, I147V.
Identifiers: ClinVar variation 1367505 (VCV001367505.8), dbSNP rs2125304346, ClinGen allele CA344085774.

ClinVar aggregate classification (germline): Uncertain significance (1 of 4 stars; one submission).

Conditions:
Retinitis pigmentosa 12 (RP12). Also called: RP WITH OR WITHOUT PRESERVED PARAARTERIOLE RETINAL PIGMENT EPITHELIUM; RETINITIS PIGMENTOSA WITH OR WITHOUT PARAARTERIOLAR PRESERVATION OF RETINAL PIGMENT EPITHELIUM; RP WITH OR WITHOUT PPRPE. Identifiers: Orphanet 791, MedGen C1838647, MONDO:0010818, OMIM 600105.
Leber congenital amaurosis 8 (LCA8). Identifiers: Orphanet 65, MedGen C3151202, MONDO:0013453, OMIM 613835.

Submission:

Labcorp Genetics (formerly Invitae), Labcorp
Classification: Uncertain significance for Leber congenital amaurosis 8; Retinitis pigmentosa 12. Last evaluated: 2021-07-14. Review status: criteria provided, single submitter. Criteria: Invitae Variant Classification Sherloc (09022015). Collection method: clinical testing. Allele origin: germline.
Comment: Algorithms developed to predict the effect of sequence changes on RNA splicing suggest that this variant may create or strengthen a splice site. In summary, the available evidence is currently insufficient to determine the role of this variant in disease. Therefore, it has been classified as a Variant of Uncertain Significance. Advanced modeling of protein sequence and biophysical properties (such as structural, functional, and spatial information, amino acid conservation, physicochemical variation, residue mobility, and thermodynamic stability) performed at Invitae indicates that this missense variant is not expected to disrupt CRB1 protein function. This variant has not been reported in the literature in individuals affected with CRB1-related conditions. This variant is not present in population databases (ExAC no frequency). This sequence change replaces isoleucine with valine at codon 147 of the CRB1 protein (p.Ile147Val). The isoleucine residue is weakly conserved and there is a small physicochemical difference between isoleucine and valine.